The following is an entry in ClinVar:

NM_002110.5(HCK):c.330A>G (p.Glu110=)

Gene: HCK (HCK proto-oncogene, Src family tyrosine kinase; plus strand). Cytogenetic location: 20q11.21.
Variant type: single nucleotide variant.
Coding change: c.330A>G on transcript NM_002110.5 (MANE Select); coding-DNA position 330, A replaced by G.
Protein change: p.Glu110=; no amino-acid change (glutamic acid 110 retained).
Molecular consequence: synonymous variant.
Genome position (GRCh38, 1-based): chr20:32,074,623, A>G. VCF-style: chr20-32074623-A-G. GRCh37 (hg19) VCF-style: chr20-30662426-A-G.
Other names: NC_000020.10:g.30662426A>G; c.330A>G (NM_002110.3); c.267A>G, p.Glu89= (NM_001172129.3, NM_001172133.3); c.327A>G, p.Glu109= (NM_001172130.3); c.264A>G, p.Glu88= (NM_001172131.3); c.270A>G, p.Glu90= (NM_001172132.3).
Identifiers: ClinVar variation 3770454 (VCV003770454.16).
Genomic context (GRCh38, chr20:32,074,623, plus strand): 5'-TGAGGAGACTGGAGAATGATCCTTCTGTCCCTAACACCTTTACTCCCTCATGTCCCTCAG[A>G]TCCGGGGAGTGGTGGAAGGCTCGATCCCTGGCCACCCGGAAGGAGGGCTACATCCCAAGC-3'
Protein context (NP_002101.2, residues 100-120): QKGDQMVVLE[Glu110=]SGEWWKARSL

ClinVar aggregate classification (germline): Likely benign. Review status: criteria provided, multiple submitters, no conflicts (2 of 4 stars). 3 submissions from 3 submitters: Likely benign (3). Last evaluated 2026-06-01.

Conditions:
HCK-related condition.

gnomAD v4.1: 2,591 of 1,608,494 alleles (0.16%); highest among the groups gnomAD compares: South Asian, 0.76%; 11 homozygotes.

Submissions (6):

CeGaT Center for Human Genetics Tuebingen
Classification: Likely benign. Last evaluated: 2026-06-01. Review status: criteria provided, single submitter. Criteria: CeGaT Center For Human Genetics Tuebingen Variant Classification Criteria Version 2. Collection method: clinical testing. Allele origin: germline. Affected: yes. Observed: 3 variant alleles.
Comment: HCK: BP4, BP7

PreventionGenetics, part of Exact Sciences
Classification: Likely benign for HCK-related condition. Last evaluated: 2025-11-04. Review status: criteria provided, single submitter. Criteria: ACMG Guidelines, 2015. Collection method: clinical testing. Allele origin: germline.
Comment: This variant is classified as likely benign based on ACMG/AMP sequence variant interpretation guidelines (Richards et al. 2015 PMID: 25741868, with internal and published modifications).

Ambry Genetics
Classification: Likely benign. Last evaluated: 2025-08-21. Review status: criteria provided, single submitter. Criteria: Ambry Variant Classification Scheme 2023. Collection method: clinical testing. Allele origin: germline.

Dr. Peter K. Rogan Lab, Western University
No classification provided (evidence only). Condition: Cervical cancer. Review status: no classification provided. Collection method: in vitro. Allele origin: not applicable. Functional consequence: retained intron. Not counted in ClinVar's aggregate classification.

Dr. Peter K. Rogan Lab, Western University
No classification provided (evidence only). Condition: Ovarian serous cystadenocarcinoma. Review status: no classification provided. Collection method: in vitro. Allele origin: not applicable. Functional consequence: retained intron. Not counted in ClinVar's aggregate classification.

Dr. Peter K. Rogan Lab, Western University
No classification provided (evidence only). Condition: Gastric cancer. Review status: no classification provided. Collection method: in vitro. Allele origin: not applicable. Functional consequence: retained intron. Not counted in ClinVar's aggregate classification.